The following is an entry in ClinVar:

ClinVar aggregate classification (germline): Pathogenic (1 of 4 stars; one submission).

Conditions:
Meckel-Gruber syndrome. Also called: GRUBER SYNDROME; DYSENCEPHALIA SPLANCHNOCYSTICA; Dysencephalia splachnocystica. Identifiers: Orphanet 564, MedGen C0265215, MONDO:0018921.
Joubert syndrome. Also called: Familial aplasia of the vermis; JOUBERT-BOLTSHAUSER SYNDROME; CEREBELLOPARENCHYMAL DISORDER IV. Identifiers: Orphanet 475, MedGen C5979921, MONDO:0018772.
Nephronophthisis. Also called: Juvenile Nephronophthisis. Identifiers: Orphanet 655, MedGen C0687120, MONDO:0019005, HP:0000090.

Submission:

Labcorp Genetics (formerly Invitae), Labcorp
Classification: Pathogenic for Joubert syndrome; Meckel-Gruber syndrome; Nephronophthisis. Last evaluated: 2026-01-09. Review status: criteria provided, single submitter. Criteria: Invitae Variant Classification Sherloc (09022015). Collection method: clinical testing. Allele origin: germline.
Comment: This sequence change creates a premature translational stop signal (p.Asp1995*) in the CEP290 gene. It is expected to result in an absent or disrupted protein product. Loss-of-function variants in CEP290 are known to be pathogenic (PMID: 16909394, 17345604, 20690115). This variant is not present in population databases (gnomAD no frequency). This variant has not been reported in the literature in individuals affected with CEP290-related conditions. For these reasons, this variant has been classified as Pathogenic.

Literature cited by the submitters: PubMed 16909394; PubMed 17345604; PubMed 20690115.

NM_025114.4(CEP290):c.5981_5982insC (p.Leu1994_Asp1995insTer)

Gene: CEP290 (centrosomal protein 290; minus strand). Cytogenetic location: 12q21.32.
Variant type: Insertion.
Coding change: c.5981_5982insC on transcript NM_025114.4 (MANE Select); coding-DNA positions 5981 to 5982, C inserted.
Protein change: p.Leu1994_Asp1995insTer.
Molecular consequence: frameshift variant.
Genome position: GRCh38 VCF-style: chr12-88071323-A-AG. GRCh37 (hg19) VCF-style: chr12-88465100-A-AG.
Identifiers: ClinVar variation 4787224 (VCV004787224.1).